The following is an entry in ClinVar:

ClinVar aggregate classification (germline): Likely benign (1 of 4 stars; one submission).

Submission:

CeGaT Center for Human Genetics Tuebingen
Classification: Likely benign. Last evaluated: 2025-01-01. Review status: criteria provided, single submitter. Criteria: CeGaT Center For Human Genetics Tuebingen Variant Classification Criteria Version 2. Collection method: clinical testing. Allele origin: germline. Affected: yes. Observed: 1 variant allele.
Comment: SMARCA4: PM2:Supporting, BP4, BP7

NM_003072.5(SMARCA4):c.4657T>C (p.Leu1553=)

Gene: SMARCA4 (SWI/SNF related BAF chromatin remodeling complex subunit ATPase 4; plus strand). Cytogenetic location: 19p13.2.
Variant type: single nucleotide variant.
Coding change: c.4657T>C on transcript NM_003072.5 (MANE Select); coding-DNA position 4657, T replaced by C.
Protein change: p.Leu1553=; no amino-acid change (leucine 1553 retained).
Molecular consequence: synonymous variant. On other transcripts: non-coding transcript variant (1).
Genome position (GRCh38, 1-based): chr19:11,059,774, T>C. VCF-style: chr19-11059774-T-C. GRCh37 (hg19) VCF-style: chr19-11170450-T-C.
Other names: c.4657T>C, p.Leu1553= (NM_001128844.3); c.4567T>C, p.Leu1523= (NM_001128845.2); c.4564T>C, p.Leu1522= (NM_001128846.2); c.4558T>C, p.Leu1520= (NM_001128847.4, NM_001374457.1); c.4555T>C, p.Leu1519= (NM_001128848.2); c.4753T>C, p.Leu1585= (NM_001128849.3, NM_001387283.1); c.4654T>C, p.Leu1552= (NM_001411150.1).
Identifiers: ClinVar variation 3771087 (VCV003771087.13).